The following is an entry in ClinVar:

ClinVar aggregate classification (germline): Likely benign (1 of 4 stars; one submission).

Allele frequency attached by ClinVar (database versions not stated): 1000 Genomes Project 0.00339; 1000 Genomes Project 30x 0.00344; TOPMed 0.00539; gnomAD 0.00609.
gnomAD v4.1: 940 of 152,180 alleles (0.62%); highest among the groups gnomAD compares: Non-Finnish European, 0.96%; 4 homozygotes.

Submission:

CeGaT Center for Human Genetics Tuebingen
Classification: Likely benign. Last evaluated: 2026-06-01. Review status: criteria provided, single submitter. Criteria: CeGaT Center For Human Genetics Tuebingen Variant Classification Criteria Version 2. Collection method: clinical testing. Allele origin: germline. Affected: yes. Observed: 5 variant alleles.
Comment: TBX4: BS2

NM_001321120.2(TBX4):c.-3-583T>C

Gene: TBX4 (T-box transcription factor 4; plus strand). Cytogenetic location: 17q23.2.
Variant type: single nucleotide variant.
Coding change: c.-3-583T>C on transcript NM_001321120.2 (MANE Select); 583 bases into the intron before 3 bases upstream of the start codon, T replaced by C.
Molecular consequence: intron variant.
Genome position (GRCh38, 1-based): chr17:61,455,905, T>C. VCF-style: chr17-61455905-T-C. GRCh37 (hg19) VCF-style: chr17-59533266-T-C.
Identifiers: ClinVar variation 2647998 (VCV002647998.24), dbSNP rs75514233, ClinGen allele CA292260270.